The following is an entry in ClinVar:

ClinVar aggregate classification (germline): Uncertain significance (1 of 4 stars; one submission).

Submission:

Labcorp Genetics (formerly Invitae), Labcorp
Classification: Uncertain significance. Last evaluated: 2023-10-14. Review status: criteria provided, single submitter. Criteria: Invitae Variant Classification Sherloc (09022015). Collection method: clinical testing. Allele origin: germline.
Comment: This variant, c.3993_4019del, results in the deletion of 9 amino acid(s) of the ALPK3 protein (p.Ala1332_Ser1340del), but otherwise preserves the integrity of the reading frame. This variant is not present in population databases (gnomAD no frequency). This variant has not been reported in the literature in individuals affected with ALPK3-related conditions. In summary, the available evidence is currently insufficient to determine the role of this variant in disease. Therefore, it has been classified as a Variant of Uncertain Significance.

NM_020778.5(ALPK3):c.3387_3413del (p.Ala1130_Ser1138del)

Gene: ALPK3 (alpha kinase 3; plus strand). Cytogenetic location: 15q25.3.
Variant type: Deletion.
Coding change: c.3387_3413del on transcript NM_020778.5 (MANE Select); coding-DNA positions 3387 to 3413, 27 bases deleted (AGCAGAGAGCATAGCCCAGGAGCCCTC).
Protein change: p.Ala1130_Ser1138del.
Molecular consequence: inframe deletion.
Genome position (GRCh38, 1-based): chr15:84,858,125-84,858,151, AGCAGAGAGCATAGCCCAGGAGCCCTC deleted; deleting any 27 consecutive bases within chr15:84,858,119-84,858,151 gives the same sequence; the c. name uses the placement nearest the transcript's 3' end. VCF-style (leftmost placement, unchanged base first): chr15-84858118-GGCCCTCAGCAGAGAGCATAGCCCAGGA-G. GRCh37 (hg19) VCF-style: chr15-85401349-GGCCCTCAGCAGAGAGCATAGCCCAGGA-G.
Identifiers: ClinVar variation 2768231 (VCV002768231.3), dbSNP rs2505721922, ClinGen allele CA2630109930.